The following is an entry in ClinVar:

NM_004385.5(VCAN):c.4616C>T (p.Pro1539Leu)

Genes: VCAN (versican; plus strand), VCAN-AS1 (VCAN antisense RNA 1; minus strand). Cytogenetic location: 5q14.3.
Variant type: single nucleotide variant.
Coding change: c.4616C>T on transcript NM_004385.5 (MANE Select); coding-DNA position 4616, C replaced by T.
Protein change: p.Pro1539Leu; replaces proline 1539 with leucine.
Molecular consequence: missense variant. On other transcripts: intron variant (2).
Genome position (GRCh38, 1-based): chr5:83,537,619, C>T. VCF-style: chr5-83537619-C-T. GRCh37 (hg19) VCF-style: chr5-82833438-C-T.
Other names: c.1655C>T, p.Pro552Leu (NM_001164097.2); c.4004-7918C>T (NM_001164098.2); c.1043-7918C>T (NM_001126336.3); short protein forms P552L, P1539L.
Identifiers: ClinVar variation 2987739 (VCV002987739.3), dbSNP rs193920883, ClinGen allele CA3333200.

ClinVar aggregate classification (germline): Uncertain significance (1 of 4 stars; one submission).

Allele frequency attached by ClinVar (database versions not stated): gnomAD exomes below 0.00001; TOPMed below 0.00001; ExAC 0.00001.
gnomAD v4.1: 1 of 1,613,796 alleles (0.000062%); highest among the groups gnomAD compares: Non-Finnish European, 0.000085%; no homozygotes.

Submission:

Labcorp Genetics (formerly Invitae), Labcorp
Classification: Uncertain significance. Last evaluated: 2023-01-25. Review status: criteria provided, single submitter. Criteria: Invitae Variant Classification Sherloc (09022015). Collection method: clinical testing. Allele origin: germline.
Comment: In summary, the available evidence is currently insufficient to determine the role of this variant in disease. Therefore, it has been classified as a Variant of Uncertain Significance. Algorithms developed to predict the effect of missense changes on protein structure and function output the following: SIFT: "Tolerated"; PolyPhen-2: "Benign"; Align-GVGD: "Class C0". The leucine amino acid residue is found in multiple mammalian species, which suggests that this missense change does not adversely affect protein function. This variant has not been reported in the literature in individuals affected with VCAN-related conditions. This variant is present in population databases (rs193920883, gnomAD 0.0009%). This sequence change replaces proline, which is neutral and non-polar, with leucine, which is neutral and non-polar, at codon 1539 of the VCAN protein (p.Pro1539Leu).